The following is an entry in ClinVar:

NC_012920.1(MT-TS2):m.12264C>T

Gene: MT-TS2 (mitochondrially encoded tRNA serine 2 (AGU/C); plus strand).
Variant type: single nucleotide variant.
Genome position: chrM-12264-C-T.
Identifiers: ClinVar variation 690178 (VCV000690178.3), dbSNP rs1603223642, ClinGen allele CA913169907.

ClinVar aggregate classification (germline): Uncertain significance. Review status: reviewed by expert panel (3 of 4 stars). 3 submissions from 3 submitters: Uncertain significance (1). 2 of the submissions do not count toward it. Last evaluated 2024-12-03.

Conditions:
Mitochondrial disease. Also called: Mitochondrial disorder; Mitochondrial disorders. Identifiers: Orphanet 68380, MedGen C0751651, MeSH D028361, MONDO:0044970.
MELAS syndrome (MELAS). Also called: Juvenile myopathy, encephalopathy, lactic acidosis, stroke. Identifiers: Orphanet 550, MedGen C0162671, MONDO:0010789, OMIM 540000.

Submissions (3):

ClinGen Mitochondrial Disease Nuclear and Mitochondrial  Variant Curation Expert Panel, ClinGen
Classification: Uncertain significance for Mitochondrial disease. Last evaluated: 2024-12-03. Review status: reviewed by expert panel. Criteria: clingen mito disease acmg specifications v1-1. Collection method: curation. Allele origin: germline. Inheritance: Mitochondrial inheritance.
Comment: The m.12264C>T variant in MT-TS2 has been reported in two individuals with primary mitochondrial disease to date (PMIDs: 22369973, 22378285, 31965079; PS4_supporting). Blood lactate and alanine were elevated. Muscle biopsy showed ragged red and blue fibers, and COX-deficient fibers. Rotenone-sensitive I–III activity was mildly reduced to 54% of the mean in skeletal muscle. The variant was present at homoplasy in skeletal muscle, cataract, and buccal samples, and was present at 34% heteroplasmy in blood. The second reported case had developmental delay, autism, unsteady gait, failure to thrive and feeding difficulty, seizures, and sensorineural hearing loss (PMID: 22378285). Muscle biopsy showed COX-deficient fibers and reduced activities of complexes I and IV. The variant was present at ≥93% in blood, urine and cultured skin fibroblasts and was near homoplasmy in skeletal muscle. The variant was present at 1% heteroplasmy in blood and 18% in buccal sample from the maternal grandmother of the first case (PMID: 22369973) and at lower levels in the mother of the second case (9% to 36% in blood, urine, fibroblasts, muscle, PMID: 22378285; PP1). This variant is absent in the MITOMAP GenBank dataset, gnomAD v3.1.2, and the Helix dataset (PM2_supporting). The computational predictor MitoTIP suggests this variant is pathogenic (79.3 percentile) and HmtVAR predicts it to be pathogenic with a score of 0.55 (PP3). Single-fiber testing showed high levels of the variant in both COX-positive (98.4±1.5% n=11) and COX-deficient fibers (98.2±2.1% n=11), however northern blot in cultured skin fibroblasts from the second reported patient showed a 70% reduction in the corresponding mature tRNA steady state levels and BN-PAGE in skeletal muscle showed a decrease in the amount of fully-assembled complex I, and a lesser decrease in the amount of complex IV levels (PMID: 22378285). In summary, this variant meets criteria to be classified as uncertain significance for primary mitochondrial disease inherited in a mitochondrial manner. This classification was approved by the NICHD/NINDS U24 ClinGen Mitochondrial Disease Variant Curation Expert Panel on December 3, 2024. Mitochondrial DNA-specific ACMG/AMP criteria applied (PMID: 32906214): PS4_supporting, PP1, PM2_supporting, PP3.

Mendelics
Classification: Pathogenic for MELAS syndrome. Last evaluated: 2022-05-04. Review status: criteria provided, single submitter. Criteria: Mendelics Assertion Criteria 2019. Collection method: clinical testing. Allele origin: germline. Not counted in ClinVar's aggregate classification.

Wong Mito Lab, Molecular and Human Genetics, Baylor College of Medicine
Classification: Likely pathogenic for MELAS syndrome. Last evaluated: 2019-07-12. Review status: criteria provided, single submitter. Criteria: Modified ACMG Guidelines (Unpublished). Collection method: clinical testing. Allele origin: germline. Not counted in ClinVar's aggregate classification.
Comment: The NC_012920.1:m.12264C>T variant in MT-TS2 gene is interpreted to be a Likely Pathogenic variant based on the modified ACMG guidelines (unpublished). This variant meets the following evidence codes reported in the guidelines: PM7, PM9, PM10

Literature cited by the submitters: PubMed 31965079 (cited by Wong Mito Lab, Molecular and Human Genetics, Baylor College of Medicine).